The following is an entry in ClinVar:

NM_016247.4(IMPG2):c.1508A>C (p.Glu503Ala)

Gene: IMPG2 (interphotoreceptor matrix proteoglycan 2; minus strand). Cytogenetic location: 3q12.3.
Variant type: single nucleotide variant.
Coding change: c.1508A>C on transcript NM_016247.4 (MANE Select); coding-DNA position 1508, A replaced by C.
Protein change: p.Glu503Ala; replaces glutamic acid 503 with alanine.
Molecular consequence: missense variant.
Genome position (GRCh38, 1-based): chr3:101,245,837, T>G on the plus strand (A>C on the coding strand, the complement: IMPG2 is on the minus strand). VCF-style: chr3-101245837-T-G. GRCh37 (hg19) VCF-style: chr3-100964681-T-G.
Other names: short protein forms E503A.
Identifiers: ClinVar variation 2164606 (VCV002164606.4), dbSNP rs753436830, ClinGen allele CA2519153.

ClinVar aggregate classification (germline): Uncertain significance (1 of 4 stars; one submission).

Allele frequency attached by ClinVar (database versions not stated): gnomAD exomes below 0.00001; TOPMed below 0.00001; ExAC 0.00001; gnomAD 0.00001.
gnomAD v4.1: 4 of 1,614,042 alleles (0.00025%); highest among the groups gnomAD compares: East Asian, 0.0089%; no homozygotes.

Submission:

Labcorp Genetics (formerly Invitae), Labcorp
Classification: Uncertain significance. Last evaluated: 2025-01-23. Review status: criteria provided, single submitter. Criteria: Invitae Variant Classification Sherloc (09022015). Collection method: clinical testing. Allele origin: germline.
Comment: This sequence change replaces glutamic acid, which is acidic and polar, with alanine, which is neutral and non-polar, at codon 503 of the IMPG2 protein (p.Glu503Ala). This variant is present in population databases (rs753436830, gnomAD 0.01%). This variant has not been reported in the literature in individuals affected with IMPG2-related conditions. ClinVar contains an entry for this variant (Variation ID: 2164606). Invitae Evidence Modeling of protein sequence and biophysical properties (such as structural, functional, and spatial information, amino acid conservation, physicochemical variation, residue mobility, and thermodynamic stability) has been performed for this missense variant. However, the output from this modeling did not meet the statistical confidence thresholds required to predict the impact of this variant on IMPG2 protein function. In summary, the available evidence is currently insufficient to determine the role of this variant in disease. Therefore, it has been classified as a Variant of Uncertain Significance.